The following is an entry in ClinVar:

ClinVar aggregate classification (germline): Likely pathogenic (1 of 4 stars; one submission).

gnomAD v4.1: 2 of 1,572,270 alleles (0.00013%); highest among the groups gnomAD compares: South Asian, 0.0023%; no homozygotes.

Submission:

Labcorp Genetics (formerly Invitae), Labcorp
Classification: Likely pathogenic. Last evaluated: 2025-11-24. Review status: criteria provided, single submitter. Criteria: Invitae Variant Classification Sherloc (09022015). Collection method: clinical testing. Allele origin: germline.
Comment: This sequence change affects an acceptor splice site in intron 9 of the ADGRV1 gene. It is expected to disrupt RNA splicing. Variants that disrupt the donor or acceptor splice site typically lead to a loss of protein function (PMID: 16199547), and loss-of-function variants in ADGRV1 are known to be pathogenic (PMID: 19357117, 22135276, 22147658, 26226137, 30718709, 31047384, 32467589). This variant is not present in population databases (gnomAD no frequency). This variant has not been reported in the literature in individuals affected with ADGRV1-related conditions. Algorithms developed to predict the effect of sequence changes on RNA splicing suggest that this variant may disrupt the consensus splice site. In summary, the currently available evidence indicates that the variant is pathogenic, but additional data are needed to prove that conclusively. Therefore, this variant has been classified as Likely Pathogenic.

Literature cited by the submitters: PubMed 16199547; PubMed 19357117; PubMed 22135276; PubMed 22147658; PubMed 26226137; PubMed 30718709; PubMed 31047384; PubMed 32467589.

NM_032119.4(ADGRV1):c.1840-1G>C

Gene: ADGRV1 (adhesion G protein-coupled receptor V1; plus strand). Cytogenetic location: 5q14.3.
Variant type: single nucleotide variant.
Coding change: c.1840-1G>C on transcript NM_032119.4 (MANE Select); the canonical splice acceptor site of the intron before coding-DNA position 1840, G replaced by C.
Molecular consequence: splice acceptor variant.
Genome position (GRCh38, 1-based): chr5:90,635,113, G>C. VCF-style: chr5-90635113-G-C. GRCh37 (hg19) VCF-style: chr5-89930930-G-C.
Identifiers: ClinVar variation 4811184 (VCV004811184.1).